The following is an entry in ClinVar:

NM_001519.4(BRF1):c.*919G>A

Gene: BRF1 (BRF1 general transcription factor IIIB subunit; minus strand). Cytogenetic location: 14q32.33.
Variant type: single nucleotide variant.
Coding change: c.*919G>A on transcript NM_001519.4 (MANE Select); 919 bases downstream of the stop codon, G replaced by A.
Molecular consequence: 3 prime UTR variant.
Genome position (GRCh38, 1-based): chr14:105,209,632, C>T on the plus strand (G>A on the coding strand, the complement: BRF1 is on the minus strand). VCF-style: chr14-105209632-C-T. GRCh37 (hg19) VCF-style: chr14-105675969-C-T.
Other names: c.*919G>A (NM_001242786.2, NM_001242787.2, NM_001242788.2 and 2 more transcripts).
Identifiers: ClinVar variation 1711377 (VCV001711377.30), dbSNP rs757507809, ClinGen allele CA7386826.

ClinVar aggregate classification (germline): Likely benign (1 of 4 stars; one submission).

Allele frequency attached by ClinVar (database versions not stated): 1000 Genomes Project 30x 0.00016; TOPMed 0.00028; gnomAD 0.00037; gnomAD exomes 0.00052.
gnomAD v4.1: 330 of 693,916 alleles (0.048%); highest among the groups gnomAD compares: Non-Finnish European, 0.074%; 1 homozygote.

Submission:

CeGaT Center for Human Genetics Tuebingen
Classification: Likely benign. Last evaluated: 2026-01-01. Review status: criteria provided, single submitter. Criteria: CeGaT Center For Human Genetics Tuebingen Variant Classification Criteria Version 2. Collection method: clinical testing. Allele origin: germline. Affected: yes. Observed: 2 variant alleles.
Comment: BRF1: BP4